The following is an entry in ClinVar:

ClinVar aggregate classification (germline): Uncertain significance (1 of 4 stars; one submission).

Allele frequency attached by ClinVar (database versions not stated): TOPMed below 0.00001.

Submission:

Labcorp Genetics (formerly Invitae), Labcorp
Classification: Uncertain significance. Last evaluated: 2022-10-05. Review status: criteria provided, single submitter. Criteria: Invitae Variant Classification Sherloc (09022015). Collection method: clinical testing. Allele origin: germline.
Comment: This sequence change replaces aspartic acid, which is acidic and polar, with asparagine, which is neutral and polar, at codon 311 of the GFM1 protein (p.Asp311Asn). This variant is not present in population databases (gnomAD no frequency). This variant has not been reported in the literature in individuals affected with GFM1-related conditions. Advanced modeling of protein sequence and biophysical properties (such as structural, functional, and spatial information, amino acid conservation, physicochemical variation, residue mobility, and thermodynamic stability) performed at Invitae indicates that this missense variant is not expected to disrupt GFM1 protein function. In summary, the available evidence is currently insufficient to determine the role of this variant in disease. Therefore, it has been classified as a Variant of Uncertain Significance.

NM_024996.7(GFM1):c.931G>A (p.Asp311Asn)

Gene: GFM1 (G elongation factor mitochondrial 1; plus strand). Cytogenetic location: 3q25.32.
Variant type: single nucleotide variant.
Coding change: c.931G>A on transcript NM_024996.7 (MANE Select); coding-DNA position 931, G replaced by A.
Protein change: p.Asp311Asn; replaces aspartic acid 311 with asparagine.
Molecular consequence: missense variant. On other transcripts: non-coding transcript variant (4).
Genome position (GRCh38, 1-based): chr3:158,653,400, G>A. VCF-style: chr3-158653400-G-A. GRCh37 (hg19) VCF-style: chr3-158371189-G-A.
Other names: c.988G>A, p.Asp330Asn (NM_001308164.2, NM_001374355.1); c.931G>A, p.Asp311Asn (NM_001308166.2); c.814G>A, p.Asp272Asn (NM_001374356.1); c.706G>A, p.Asp236Asn (NM_001374357.1); c.472G>A, p.Asp158Asn (NM_001374358.1); c.364G>A, p.Asp122Asn (NM_001374359.1, NM_001374360.1); c.247G>A, p.Asp83Asn (NM_001374361.1); short protein forms D236N, D272N, D122N, D330N, D311N, D158N, D83N.
Identifiers: ClinVar variation 2000276 (VCV002000276.1), dbSNP rs1021136228, ClinGen allele CA86500964.